The following is an entry in ClinVar:

ClinVar aggregate classification (germline): Likely benign. Review status: criteria provided, single submitter (1 of 4 stars). 2 submissions from 2 submitters: Likely benign (1). 1 of the submissions does not count toward it. Last evaluated 2025-11-16.

Conditions:
RASopathy. Also called: rasopathies; Noonan spectrum disorder. Identifiers: Orphanet 536391, MedGen C5555857, MONDO:0021060.
NRAS-related disorder. Also called: NRAS-related condition.

Submissions (2):

Labcorp Genetics (formerly Invitae), Labcorp
Classification: Likely benign for RASopathy. Last evaluated: 2025-11-16. Review status: criteria provided, single submitter. Criteria: Invitae Variant Classification Sherloc (09022015). Collection method: clinical testing. Allele origin: germline.

PreventionGenetics, part of Exact Sciences
Classification: Likely benign for NRAS-related condition. Last evaluated: 2020-08-25. Review status: no assertion criteria provided. Collection method: clinical testing. Allele origin: germline. Not counted in ClinVar's aggregate classification.
Comment: This variant is classified as likely benign based on ACMG/AMP sequence variant interpretation guidelines (Richards et al. 2015 PMID: 25741868, with internal and published modifications).

NM_002524.5(NRAS):c.451-10C>T

Gene: NRAS (NRAS proto-oncogene, GTPase; minus strand). Cytogenetic location: 1p13.2.
Variant type: single nucleotide variant.
Coding change: c.451-10C>T on transcript NM_002524.5 (MANE Select); 10 bases into the intron before coding-DNA position 451, C replaced by T.
Molecular consequence: intron variant.
Genome position (GRCh38, 1-based): chr1:114,708,664, G>A on the plus strand (C>T on the coding strand, the complement: NRAS is on the minus strand). VCF-style: chr1-114708664-G-A. GRCh37 (hg19) VCF-style: chr1-115251285-G-A.
Other names: c.451-10C>T (NM_002524.4).
Identifiers: ClinVar variation 1618918 (VCV001618918.10), dbSNP rs1463590425, ClinGen allele CA525408755.